The following is an entry in ClinVar:

NM_000875.5(IGF1R):c.2216G>A (p.Arg739Gln)

Gene: IGF1R (insulin like growth factor 1 receptor; plus strand). Cytogenetic location: 15q26.3.
Variant type: single nucleotide variant.
Coding change: c.2216G>A on transcript NM_000875.5 (MANE Select); coding-DNA position 2216, G replaced by A.
Protein change: p.Arg739Gln; replaces arginine 739 with glutamine.
Molecular consequence: missense variant.
Genome position (GRCh38, 1-based): chr15:98,922,162, G>A. VCF-style: chr15-98922162-G-A. GRCh37 (hg19) VCF-style: chr15-99465391-G-A.
Other names: R709Q; c.2216G>A, p.Arg739Gln (NM_001291858.2); c.2216G>A (NM_000875.3); short protein forms R739Q.
Identifiers: ClinVar variation 14793 (VCV000014793.27), dbSNP rs121912429, ClinGen allele CA124314.

ClinVar aggregate classification (germline): Uncertain significance. Review status: criteria provided, multiple submitters, no conflicts (2 of 4 stars). 5 submissions from 5 submitters: Uncertain significance (3). 2 of the submissions do not count toward it. Last evaluated 2024-10-16.

Conditions:
Inborn genetic diseases. Identifiers: MedGen C0950123, MeSH D030342.
Growth delay due to insulin-like growth factor I resistance. Also called: Somatomedin end-organ insensitivity to; Somatomedin-c resistance to; IGF-1 resistance; IGF-I RESISTANCE; Insulin-Like Growth Factor I Resistance. Identifiers: Orphanet 73273, MedGen C1849157, MONDO:0010038, OMIM 270450.

Allele frequency attached by ClinVar (database versions not stated): gnomAD exomes 0.00001; gnomAD 0.00002; TOPMed 0.00002.
gnomAD v4.1: 7 of 1,614,046 alleles (0.00043%); highest among the groups gnomAD compares: African/African-American, 0.004%; no homozygotes.

Submissions (5):

Ambry Genetics
Classification: Uncertain significance for Inborn genetic diseases. Last evaluated: 2024-10-16. Review status: criteria provided, single submitter. Criteria: Ambry Variant Classification Scheme 2023. Collection method: clinical testing. Allele origin: germline.
Comment: The c.2216G>A (p.R739Q) alteration is located in exon 11 (coding exon 11) of the IGF1R gene. This alteration results from a G to A substitution at nucleotide position 2216, causing the arginine (R) at amino acid position 739 to be replaced by a glutamine (Q). Based on data from gnomAD, the A allele has an overall frequency of 0.001% (3/251474) total alleles studied. The highest observed frequency was 0.006% (1/16256) of African alleles. This variant was reported in a mother and daughter with intrauterine growth restriction, short stature, and increased IGF-I levels, and the daughter was noted to have intellectual disability (Kawashima, 2005). Another alteration at the same codon, c.2215C>T (p.R739W), has been detected as maternally inherited in two individuals with short stature, microcephaly, increased IGF-I levels, and mental delay; both mothers were also noted to have short stature (Walenkamp, 2019). This amino acid position is highly conserved in available vertebrate species. This alteration is predicted to be deleterious by in silico analysis. Based on insufficient or conflicting evidence, the clinical significance of this alteration remains unclear.

Labcorp Genetics (formerly Invitae), Labcorp
Classification: Uncertain significance. Last evaluated: 2024-07-03. Review status: criteria provided, single submitter. Criteria: Invitae Variant Classification Sherloc (09022015). Collection method: clinical testing. Allele origin: germline.
Comment: This sequence change replaces arginine, which is basic and polar, with glutamine, which is neutral and polar, at codon 739 of the IGF1R protein (p.Arg739Gln). This variant is present in population databases (rs121912429, gnomAD 0.007%). This missense change has been observed in individual(s) with IGF1R-related condition (PMID: 15928254). ClinVar contains an entry for this variant (Variation ID: 14793). Advanced modeling of protein sequence and biophysical properties (such as structural, functional, and spatial information, amino acid conservation, physicochemical variation, residue mobility, and thermodynamic stability) performed at Invitae indicates that this missense variant is not expected to disrupt IGF1R protein function with a negative predictive value of 80%. Experimental studies have shown that this missense change affects IGF1R function (PMID: 34074726). In summary, the available evidence is currently insufficient to determine the role of this variant in disease. Therefore, it has been classified as a Variant of Uncertain Significance.

CeGaT Center for Human Genetics Tuebingen
Classification: Uncertain significance. Last evaluated: 2024-02-01. Review status: criteria provided, single submitter. Criteria: CeGaT Center For Human Genetics Tuebingen Variant Classification Criteria Version 2. Collection method: clinical testing. Allele origin: germline. Affected: yes. Observed: 1 variant allele.
Comment: IGF1R: PM5, PS3:Supporting, PS4:Supporting

Clinical Genetics Laboratory, University Hospital Schleswig-Holstein
Classification: Uncertain significance for Growth delay due to insulin-like growth factor I resistance. Last evaluated: 2023-10-16. Review status: no assertion criteria provided. Collection method: clinical testing. Allele origin: maternal. Affected: yes. Not counted in ClinVar's aggregate classification.

OMIM
Classification: protective for INSULIN-LIKE GROWTH FACTOR I, RESISTANCE TO. Last evaluated: 2005-08-01. Review status: no assertion criteria provided. Collection method: literature only. Allele origin: germline. Not counted in ClinVar's aggregate classification.

Literature cited by the submitters: PubMed 15928254 (cited by 3 submitters); PubMed 30848790 (cited by Ambry Genetics); PubMed 34074726 (cited by Labcorp Genetics (formerly Invitae), Labcorp).